The following is an entry in ClinVar:

NM_001009944.3(PKD1):c.6365T>G (p.Val2122Gly)

Gene: PKD1 (polycystin 1, transient receptor potential channel interacting; minus strand). Cytogenetic location: 16p13.3.
Variant type: single nucleotide variant.
Coding change: c.6365T>G on transcript NM_001009944.3 (MANE Select); coding-DNA position 6365, T replaced by G.
Protein change: p.Val2122Gly; replaces valine 2122 with glycine.
Molecular consequence: missense variant.
Genome position (GRCh38, 1-based): chr16:2,108,802, A>C on the plus strand (T>G on the coding strand, the complement: PKD1 is on the minus strand). VCF-style: chr16-2108802-A-C. GRCh37 (hg19) VCF-style: chr16-2158803-A-C.
Other names: c.6365T>G, p.Val2122Gly (NM_000296.4); short protein forms V2122G.
Identifiers: ClinVar variation 5019316 (VCV005019316.2).

ClinVar aggregate classification (germline): Uncertain significance (1 of 4 stars; one submission).

Conditions:
Polycystic kidney disease, adult type (PKD1). Also called: Polycystic Kidney Disease 1, Autosomal Dominant; Polycystic kidney disease 1; Polycystic kidney disease 1, severe; POLYCYSTIC KIDNEY DISEASE, ADULT, TYPE I; POLYCYSTIC KIDNEY DISEASE 1 WITH OR WITHOUT POLYCYSTIC LIVER DISEASE; Polycystic Kidney, Autosomal Dominant. Identifiers: MedGen C3149841, MONDO:0008263, OMIM 173900.

Submission:

Juno Genomics, Hangzhou Juno Genomics, Inc
Classification: Uncertain significance for Polycystic kidney disease, adult type. Review status: criteria provided, single submitter. Criteria: ACMG Guidelines, 2015. Collection method: clinical testing. Allele origin: germline.
Comment: Absent from controls (or at extremely low frequency if recessive) in Genome Aggregation Database.;Multiple lines of computational evidence support a deleterious effect on the gene or gene product.